The following is an entry in ClinVar:

ClinVar aggregate classification (germline): Benign. Review status: criteria provided, multiple submitters, no conflicts (2 of 4 stars). 5 submissions from 5 submitters: Benign (5). Last evaluated 2026-02-03.

Conditions:
Cornelia de Lange syndrome 3 (CDLS3). Also called: SMC3-Related Cornelia de Lange Syndrome; CORNELIA DE LANGE SYNDROME 3 WITH OR WITHOUT MIDLINE BRAIN DEFECTS. Identifiers: Orphanet 199, MedGen C1853099, MONDO:0012555, OMIM 610759.

Allele frequency attached by ClinVar (database versions not stated): ESP Exome Variant Server 0.09811; gnomAD 0.11131 and 0.11683; gnomAD exomes 0.11527 and 0.15148; TOPMed 0.11937; 1000 Genomes Project 0.14816; 1000 Genomes Project 30x 0.14866; ExAC 0.14885.
gnomAD v4.1: 186,161 of 1,609,840 alleles (12%); highest among the groups gnomAD compares: East Asian, 29%; 12,804 homozygotes.

Submissions (5):

Labcorp Genetics (formerly Invitae), Labcorp
Classification: Benign for Cornelia de Lange syndrome 3. Last evaluated: 2026-02-03. Review status: criteria provided, single submitter. Criteria: Invitae Variant Classification Sherloc (09022015). Collection method: clinical testing. Allele origin: germline.

Blueprint Genetics
Classification: Benign. Last evaluated: 2024-11-27. Review status: criteria provided, single submitter. Criteria: ACMG Guidelines, 2015. Collection method: clinical testing. Allele origin: germline.

GeneDx
Classification: Benign. Last evaluated: 2017-04-22. Review status: criteria provided, single submitter. Criteria: GeneDx Variant Classification (06012015). Collection method: clinical testing. Allele origin: germline. Affected: yes.
Comment: This variant is considered likely benign or benign based on one or more of the following criteria: it is a conservative change, it occurs at a poorly conserved position in the protein, it is predicted to be benign by multiple in silico algorithms, and/or has population frequency not consistent with disease.

Breakthrough Genomics
Classification: Benign. Review status: criteria provided, single submitter. Criteria: ACMG Guidelines, 2015. Collection method: not provided. Allele origin: germline. Inheritance: Autosomal dominant inheritance. Affected: yes.

PreventionGenetics, part of Exact Sciences
Classification: Benign. Review status: criteria provided, single submitter. Criteria: ACMG Guidelines, 2015. Collection method: clinical testing. Allele origin: germline.

NM_005445.4(SMC3):c.1092-18T>C

Gene: SMC3 (structural maintenance of chromosomes 3; plus strand). Cytogenetic location: 10q25.2.
Variant type: single nucleotide variant.
Coding change: c.1092-18T>C on transcript NM_005445.4 (MANE Select); 18 bases into the intron before coding-DNA position 1092, T replaced by C.
Molecular consequence: intron variant.
Genome position (GRCh38, 1-based): chr10:110,584,165, T>C. VCF-style: chr10-110584165-T-C. GRCh37 (hg19) VCF-style: chr10-112343923-T-C.
Identifiers: ClinVar variation 259765 (VCV000259765.11), dbSNP rs11195200, ClinGen allele CA5687893.
Genomic context (GRCh38, chr10:110,584,165, plus strand): 5'-GTGCAGTTGACATTATTGGTTGCAATTAAACTTGGTTATTATTCTCCTTTTCATCCCATT[T>C]GCTTCTATTTTGTGTAGATTGGCTCAAGCTACCCAGGAAAGAACGGATCTTTATGCAAAG-3'